The following is an entry in ClinVar:

NM_017882.3(CLN6):c.401A>G (p.Asn134Ser)

Gene: CLN6 (CLN6 transmembrane ER protein; minus strand). Cytogenetic location: 15q23.
Variant type: single nucleotide variant.
Coding change: c.401A>G on transcript NM_017882.3 (MANE Select); coding-DNA position 401, A replaced by G.
Protein change: p.Asn134Ser; replaces asparagine 134 with serine.
Molecular consequence: missense variant.
Genome position (GRCh38, 1-based): chr15:68,211,760, T>C on the plus strand (A>G on the coding strand, the complement: CLN6 is on the minus strand). VCF-style: chr15-68211760-T-C. GRCh37 (hg19) VCF-style: chr15-68504098-T-C.
Other names: c.497A>G, p.Asn166Ser (NM_001411068.1); c.401A>G (NM_017882.2); short protein forms N134S, N166S.
Identifiers: ClinVar variation 2072734 (VCV002072734.4), dbSNP rs1428305686, ClinGen allele CA392973485.
Genomic context (GRCh38, chr15:68,211,760, plus strand): 5'-ATGATGGGGTTCTCACGGACAGACAGGTGGTGCTGGTAGCCACTGAAGAGCAGGCGGTGG[T>C]TGACAGAGTCACCCACCAGGTGGATGCTGGCACCCATGATGAAGATGATGATGCTCACGT-3'
Protein context (NP_060352.1, residues 124-144): ASIHLVGDSV[Asn134Ser]HRLLFSGYQH

ClinVar aggregate classification (germline): Uncertain significance. Review status: criteria provided, multiple submitters, no conflicts (2 of 4 stars). 2 submissions from 2 submitters: Uncertain significance (2). Last evaluated 2025-05-13.

Conditions:
Neuronal ceroid lipofuscinosis. Also called: Neuronal Ceroid Lipofuscinoses. Identifiers: Orphanet 216, Orphanet 79263, MedGen C0027877, MONDO:0016295. Disease mechanism: loss of function.
Inborn genetic diseases. Identifiers: MedGen C0950123, MeSH D030342.

Allele frequency attached by ClinVar (database versions not stated): TOPMed below 0.00001; gnomAD exomes 0.00001.
gnomAD v4.1: 9 of 1,613,652 alleles (0.00056%); highest among the groups gnomAD compares: Non-Finnish European, 0.00076%; no homozygotes.

Submissions (2):

Ambry Genetics
Classification: Uncertain significance for Inborn genetic diseases. Last evaluated: 2025-05-13. Review status: criteria provided, single submitter. Criteria: Ambry Variant Classification Scheme 2023. Collection method: clinical testing. Allele origin: germline.

Labcorp Genetics (formerly Invitae), Labcorp
Classification: Uncertain significance for Neuronal ceroid lipofuscinosis. Last evaluated: 2024-04-16. Review status: criteria provided, single submitter. Criteria: Invitae Variant Classification Sherloc (09022015). Collection method: clinical testing. Allele origin: germline.
Comment: This sequence change replaces asparagine, which is neutral and polar, with serine, which is neutral and polar, at codon 134 of the CLN6 protein (p.Asn134Ser). This variant is not present in population databases (gnomAD no frequency). This variant has not been reported in the literature in individuals affected with CLN6-related conditions. ClinVar contains an entry for this variant (Variation ID: 2072734). Advanced modeling of protein sequence and biophysical properties (such as structural, functional, and spatial information, amino acid conservation, physicochemical variation, residue mobility, and thermodynamic stability) performed at Invitae indicates that this missense variant is not expected to disrupt CLN6 protein function with a negative predictive value of 80%. In summary, the available evidence is currently insufficient to determine the role of this variant in disease. Therefore, it has been classified as a Variant of Uncertain Significance.